The following is an entry in ClinVar:

NM_002796.3(PSMB4):c.394G>A (p.Ala132Thr)

Gene: PSMB4 (proteasome 20S subunit beta 4; plus strand). Cytogenetic location: 1q21.3.
Variant type: single nucleotide variant.
Coding change: c.394G>A on transcript NM_002796.3 (MANE Select); coding-DNA position 394, G replaced by A.
Protein change: p.Ala132Thr; replaces alanine 132 with threonine.
Molecular consequence: missense variant.
Genome position (GRCh38, 1-based): chr1:151,400,488, G>A. VCF-style: chr1-151400488-G-A. GRCh37 (hg19) VCF-style: chr1-151372964-G-A.
Other names: short protein forms A132T.
Identifiers: ClinVar variation 3008739 (VCV003008739.3), dbSNP rs2529157674, ClinGen allele CA341923871.
Genomic context (GRCh38, chr1:151,400,488, plus strand): 5'-CAATTCCTTTTAAGGATTGATGAGGAGCTTCTGGGAGATGGACACAGCTATAGTCCTAGA[G>A]CTATTCATTCATGGCTGACCAGGGCCATGTACAGCCGGCGCTCGAAGATGAACCCTTTGT-3'
Protein context (NP_002787.2, residues 122-142): LGDGHSYSPR[Ala132Thr]IHSWLTRAMY

ClinVar aggregate classification (germline): Uncertain significance (1 of 4 stars; one submission).

gnomAD v4.1: 1 of 1,613,986 alleles (0.000062%); highest among the groups gnomAD compares: Non-Finnish European, 0.000085%; no homozygotes.

Submission:

Labcorp Genetics (formerly Invitae), Labcorp
Classification: Uncertain significance. Last evaluated: 2024-11-04. Review status: criteria provided, single submitter. Criteria: Invitae Variant Classification Sherloc (09022015). Collection method: clinical testing. Allele origin: germline.
Comment: This sequence change replaces alanine, which is neutral and non-polar, with threonine, which is neutral and polar, at codon 132 of the PSMB4 protein (p.Ala132Thr). This variant is not present in population databases (gnomAD no frequency). This variant has not been reported in the literature in individuals affected with PSMB4-related conditions. ClinVar contains an entry for this variant (Variation ID: 3008739). An algorithm developed to predict the effect of missense changes on protein structure and function (PolyPhen-2) suggests that this variant is likely to be disruptive. In summary, the available evidence is currently insufficient to determine the role of this variant in disease. Therefore, it has been classified as a Variant of Uncertain Significance.